The following is an entry in ClinVar:

ClinVar aggregate classification (germline): Benign/Likely benign. Review status: criteria provided, multiple submitters, no conflicts (2 of 4 stars). 5 submissions from 5 submitters: Benign (1); Likely benign (2). 2 of the submissions do not count toward it. Last evaluated 2025-10-16.

Conditions:
GPR179-related disorder. Also called: GPR179-related condition.
Congenital stationary night blindness 1E. Also called: Night blindness, congenital stationary (complete), 1E, autosomal recessive. Identifiers: Orphanet 215, MedGen C3281215, MONDO:0013807, OMIM 614565.

Allele frequency attached by ClinVar (database versions not stated): TOPMed 0.00049; gnomAD 0.00054; ESP Exome Variant Server 0.00063.
gnomAD v4.1: 781 of 1,606,624 alleles (0.049%); highest among the groups gnomAD compares: Non-Finnish European, 0.053%; no homozygotes.

Submissions (5):

Labcorp Genetics (formerly Invitae), Labcorp
Classification: Benign. Last evaluated: 2025-10-16. Review status: criteria provided, single submitter. Criteria: Invitae Variant Classification Sherloc (09022015). Collection method: clinical testing. Allele origin: germline.

Blueprint Genetics
Classification: Likely benign. Last evaluated: 2024-09-11. Review status: criteria provided, single submitter. Criteria: ACMG Guidelines, 2015. Collection method: clinical testing. Allele origin: germline.

Clinical Genetics DNA and cytogenetics Diagnostics Lab, Erasmus MC, Erasmus Medical Center
Classification: Likely benign for Congenital stationary night blindness 1E. Last evaluated: 2017-06-28. Review status: criteria provided, single submitter. Criteria: ACGS Guidelines, 2013. Collection method: clinical testing. Allele origin: germline. Affected: yes. Study: VKGL Data-share Consensus.

PreventionGenetics, part of Exact Sciences
Classification: Likely benign for GPR179-related condition. Last evaluated: 2019-11-14. Review status: no assertion criteria provided. Collection method: clinical testing. Allele origin: germline. Not counted in ClinVar's aggregate classification.
Comment: This variant is classified as likely benign based on ACMG/AMP sequence variant interpretation guidelines (Richards et al. 2015 PMID: 25741868, with internal and published modifications).

Clinical Genetics, Academic Medical Center
Classification: Benign. Review status: no assertion criteria provided. Collection method: clinical testing. Allele origin: germline. Affected: yes. Study: VKGL Data-share Consensus. Not counted in ClinVar's aggregate classification.

NM_001004334.4(GPR179):c.3441C>T (p.Ser1147=)

Gene: GPR179 (G protein-coupled receptor 179; minus strand). Cytogenetic location: 17q12.
Variant type: single nucleotide variant.
Coding change: c.3441C>T on transcript NM_001004334.4 (MANE Select); coding-DNA position 3441, C replaced by T.
Protein change: p.Ser1147=; no amino-acid change (serine 1147 retained).
Molecular consequence: synonymous variant.
Genome position (GRCh38, 1-based): chr17:38,330,128, G>A on the plus strand (C>T on the coding strand, the complement: GPR179 is on the minus strand). VCF-style: chr17-38330128-G-A. GRCh37 (hg19) VCF-style: chr17-36486011-G-A.
Identifiers: ClinVar variation 522293 (VCV000522293.14), dbSNP rs377711366, ClinGen allele CA290105103.
Genomic context (GRCh38, chr17:38,330,128, plus strand): 5'-GACTTGGAGCATCCTGCTGGTGTGAGCGTTCTGTTGGTTCTGGAGGGACTCCTTGTCATC[G>A]GAGGGGATAAGAGCGGCCTGCTTACTCACCGCCTTGGGCCGGCCTAGCCTGGGCGATCGG-3'
Protein context (NP_001004334.3, residues 1137-1157): AVSKQAALIP[Ser1147=]DDKESLQNQQ